The following is an entry in ClinVar:

NM_021072.4(HCN1):c.1696G>T (p.Val566Leu)

Gene: HCN1 (hyperpolarization activated cyclic nucleotide gated potassium channel 1; minus strand). Cytogenetic location: 5p12.
Variant type: single nucleotide variant.
Coding change: c.1696G>T on transcript NM_021072.4 (MANE Select); coding-DNA position 1696, G replaced by T.
Protein change: p.Val566Leu; replaces valine 566 with leucine.
Molecular consequence: missense variant.
Genome position (GRCh38, 1-based): chr5:45,267,176, C>A on the plus strand (G>T on the coding strand, the complement: HCN1 is on the minus strand). VCF-style: chr5-45267176-C-A. GRCh37 (hg19) VCF-style: chr5-45267278-C-A.
Other names: short protein forms V566L.
Identifiers: ClinVar variation 2046912 (VCV002046912.4), dbSNP rs766943052, ClinGen allele CA359705853.
Genomic context (GRCh38, chr5:45,267,176, plus strand): 5'-CTGTCTCAAAGGCTCTCCTCATCATTGGATATTCCTCCAGGACCTCGTTGAAATTGTCCA[C>A]GGAAAGTGAGTAAAGACGACAATATGTATCAGCTCGAACACTGGCAGTACGACGTCCTTT-3'
Protein context (NP_066550.2, residues 556-576): DTYCRLYSLS[Val566Leu]DNFNEVLEEY

ClinVar aggregate classification (germline): Uncertain significance (1 of 4 stars; one submission).

Conditions:
Early-infantile DEE. Also called: Early infantile epileptic encephalopathy; Ohtahara syndrome; Early infantile epileptic encephalopathy with suppression bursts. Identifiers: Orphanet 1934, MedGen C0393706, MONDO:0800491.

Submission:

Labcorp Genetics (formerly Invitae), Labcorp
Classification: Uncertain significance for Early-infantile DEE. Last evaluated: 2022-07-26. Review status: criteria provided, single submitter. Criteria: Invitae Variant Classification Sherloc (09022015). Collection method: clinical testing. Allele origin: germline.
Comment: In summary, the available evidence is currently insufficient to determine the role of this variant in disease. Therefore, it has been classified as a Variant of Uncertain Significance. Algorithms developed to predict the effect of missense changes on protein structure and function (SIFT, PolyPhen-2, Align-GVGD) all suggest that this variant is likely to be disruptive. This variant has not been reported in the literature in individuals affected with HCN1-related conditions. This variant is not present in population databases (gnomAD no frequency). This sequence change replaces valine, which is neutral and non-polar, with leucine, which is neutral and non-polar, at codon 566 of the HCN1 protein (p.Val566Leu).